The following is an entry in ClinVar:

NM_015459.5(ATL3):c.404A>G (p.Lys135Arg)

Genes: ATL3 (atlastin GTPase 3; minus strand), LNCROPM (lncRNA regulator of PLAAT3 mediated phospholipid metabolism; plus strand). Cytogenetic location: 11q13.1.
Variant type: single nucleotide variant.
Coding change: c.404A>G on transcript NM_015459.5 (MANE Select); coding-DNA position 404, A replaced by G.
Protein change: p.Lys135Arg; replaces lysine 135 with arginine.
Molecular consequence: missense variant.
Genome position (GRCh38, 1-based): chr11:63,658,762, T>C on the plus strand (A>G on the coding strand, the complement: ATL3 is on the minus strand). VCF-style: chr11-63658762-T-C. GRCh37 (hg19) VCF-style: chr11-63426234-T-C.
Other names: c.350A>G, p.Lys117Arg (NM_001290048.2); short protein forms K117R, K135R.
Identifiers: ClinVar variation 952195 (VCV000952195.9), dbSNP rs758581745, ClinGen allele CA223749382.

ClinVar aggregate classification (germline): Uncertain significance (1 of 4 stars; one submission).

Conditions:
Neuropathy, hereditary sensory, type 1F. Also called: HSN IF; Hereditary sensory neuropathy type IF. Identifiers: Orphanet 36386, MedGen C3810194, MONDO:0014286, OMIM 615632.

Allele frequency attached by ClinVar (database versions not stated): TOPMed 0.00003.

Submission:

Labcorp Genetics (formerly Invitae), Labcorp
Classification: Uncertain significance for Neuropathy, hereditary sensory, type 1F. Last evaluated: 2024-08-05. Review status: criteria provided, single submitter. Criteria: Invitae Variant Classification Sherloc (09022015). Collection method: clinical testing. Allele origin: germline.
Comment: This sequence change replaces lysine, which is basic and polar, with arginine, which is basic and polar, at codon 135 of the ATL3 protein (p.Lys135Arg). This variant is not present in population databases (gnomAD no frequency). This variant has not been reported in the literature in individuals affected with ATL3-related conditions. ClinVar contains an entry for this variant (Variation ID: 952195). An algorithm developed to predict the effect of missense changes on protein structure and function (PolyPhen-2) suggests that this variant is likely to be tolerated. Algorithms developed to predict the effect of sequence changes on RNA splicing suggest that this variant may disrupt the consensus splice site. In summary, the available evidence is currently insufficient to determine the role of this variant in disease. Therefore, it has been classified as a Variant of Uncertain Significance.